The following is an entry in ClinVar:

NM_001009944.3(PKD1):c.8914G>A (p.Asp2972Asn)

Gene: PKD1 (polycystin 1, transient receptor potential channel interacting; minus strand). Cytogenetic location: 16p13.3.
Variant type: single nucleotide variant.
Coding change: c.8914G>A on transcript NM_001009944.3 (MANE Select); coding-DNA position 8914, G replaced by A.
Protein change: p.Asp2972Asn; replaces aspartic acid 2972 with asparagine.
Molecular consequence: missense variant.
Genome position (GRCh38, 1-based): chr16:2,102,848, C>T on the plus strand (G>A on the coding strand, the complement: PKD1 is on the minus strand). VCF-style: chr16-2102848-C-T. GRCh37 (hg19) VCF-style: chr16-2152849-C-T.
Other names: c.8914G>A, p.Asp2972Asn (NM_000296.4); short protein forms D2972N.
Identifiers: ClinVar variation 1686696 (VCV001686696.30), dbSNP rs150189496, ClinGen allele CA7830307.

ClinVar aggregate classification (germline): Conflicting classifications of pathogenicity. Review status: criteria provided, conflicting classifications (1 of 4 stars). 5 submissions from 5 submitters: Uncertain significance (3); Likely benign (2). Last evaluated 2026-01-12.

Conditions:
Polycystic kidney disease, adult type (PKD1). Also called: Polycystic Kidney, Autosomal Dominant; Polycystic Kidney Disease 1, Autosomal Dominant; Polycystic kidney disease 1; Polycystic kidney disease 1, severe; POLYCYSTIC KIDNEY DISEASE 1 WITH OR WITHOUT POLYCYSTIC LIVER DISEASE; POLYCYSTIC KIDNEY DISEASE, ADULT, TYPE I. Identifiers: MedGen C3149841, MONDO:0008263, OMIM 173900.
PKD1-related disorder. Also called: PKD1-related condition.

Allele frequency attached by ClinVar (database versions not stated): ExAC 0.00008; TOPMed 0.00009; gnomAD exomes 0.00010 and 0.00013; gnomAD 0.00011 and 0.00012; ESP Exome Variant Server 0.00023.
gnomAD v4.1: 210 of 1,600,742 alleles (0.013%); highest among the groups gnomAD compares: Middle Eastern, 0.045%; no homozygotes.

Submissions (5):

PreventionGenetics, part of Exact Sciences
Classification: Uncertain significance for PKD1-related condition. Last evaluated: 2026-01-12. Review status: criteria provided, single submitter. Criteria: ACMG Guidelines, 2015. Collection method: clinical testing. Allele origin: germline.
Comment: The PKD1 c.8914G>A variant is predicted to result in the amino acid substitution p.Asp2972Asn. This variant, inherited from the unaffected father, has been reported in the compound heterozygous state with a maternally inherited pathogenic truncating variant in a prenatal case with early onset autosomal dominant polycystic kidney disease (ADPKD); and this prenatal case was reported to have two additional paternally inherited variants c.4031C>T (p.Thr1344Met) (variant of uncertain significance) and c.12460C>T (p.Arg4154Cys) (likely benign), suggesting that this variant and/or c.4031C>T (p.Thr1344Met) could act as a hypomorphic allele contributing to the early onset PKD (Audrézet et al. 2016. PubMed ID: 26139440). This variant is reported in 0.020% of alleles in individuals of European (Non-Finnish) descent in gnomAD. Although we suspect that this variant may be benign individually, at this time, the clinical significance of this variant is uncertain due to the absence of conclusive functional and genetic evidence.

CeGaT Center for Human Genetics Tuebingen
Classification: Likely benign. Last evaluated: 2025-12-01. Review status: criteria provided, single submitter. Criteria: CeGaT Center For Human Genetics Tuebingen Variant Classification Criteria Version 2. Collection method: clinical testing. Allele origin: germline. Affected: yes. Observed: 4 variant alleles.
Comment: PKD1: BP4

Blueprint Genetics
Classification: Likely benign. Last evaluated: 2024-02-26. Review status: criteria provided, single submitter. Criteria: ACMG Guidelines, 2015. Collection method: clinical testing. Allele origin: germline.

GeneDx
Classification: Uncertain significance. Last evaluated: 2022-04-26. Review status: criteria provided, single submitter. Criteria: GeneDx Variant Classification Process June 2021. Collection method: clinical testing. Allele origin: germline. Affected: yes.
Comment: Reported as a polymorphism in a cohort of 53 families with ADPKD; additional information was not provided (Bouba et al., 2001); In silico analysis supports that this missense variant has a deleterious effect on protein structure/function; This variant is associated with the following publications: (PMID: 11571556)

Department of Pathology and Laboratory Medicine, Sinai Health System
Classification: Uncertain significance for Polycystic kidney disease, adult type. Last evaluated: 2017-11-17. Review status: criteria provided, single submitter. Criteria: ACMG Guidelines, 2015. Collection method: clinical testing. Allele origin: germline. Affected: yes.

Literature cited by the submitters: PubMed 11571556 (cited by Department of Pathology and Laboratory Medicine, Sinai Health System).